The following is an entry in ClinVar:

ClinVar aggregate classification (germline): Benign (1 of 4 stars; one submission).

Conditions:
Episodic ataxia type 1 (EA1). Also called: ATAXIA, EPISODIC, WITH MYOKYMIA; MYOKYMIA WITH PERIODIC ATAXIA; PAROXYSMAL ATAXIA WITH NEUROMYOTONIA, HEREDITARY; Episodic ataxia/myokymia syndrome. Identifiers: Orphanet 37612, Orphanet 972, MedGen C1719788, MONDO:0008047, OMIM 160120.

Allele frequency attached by ClinVar (database versions not stated): gnomAD 0.00020 and 0.00027; TOPMed 0.00029; 1000 Genomes Project 30x 0.00078; 1000 Genomes Project 0.00120.

Submission:

Illumina Laboratory Services, Illumina
Classification: Benign for Episodic ataxia type 1. Last evaluated: 2018-01-13. Review status: criteria provided, single submitter. Criteria: ICSL Variant Classification Criteria 13 December 2019. Collection method: clinical testing. Allele origin: germline.
Comment: This variant was observed in the ICSL laboratory as part of a predisposition screen in an ostensibly healthy population. It had not been previously curated by ICSL or reported in the Human Gene Mutation Database (HGMD: prior to June 1st, 2018), and was therefore a candidate for classification through an automated scoring system. Utilizing variant allele frequency, disease prevalence and penetrance estimates, and inheritance mode, an automated score was calculated to assess if this variant is too frequent to cause the disease. Based on the score and internal cut-off values, a variant classified as benign is not then subjected to further curation. The score for this variant resulted in a classification of benign for this disease.

NM_000217.3(KCNA1):c.*592C>A

Gene: KCNA1 (potassium voltage-gated channel subfamily A member 1; plus strand). Cytogenetic location: 12p13.32.
Variant type: single nucleotide variant.
Coding change: c.*592C>A on transcript NM_000217.3 (MANE Select); 592 bases downstream of the stop codon, C replaced by A.
Molecular consequence: 3 prime UTR variant.
Genome position (GRCh38, 1-based): chr12:4,913,458, C>A. VCF-style: chr12-4913458-C-A. GRCh37 (hg19) VCF-style: chr12-5022624-C-A.
Identifiers: ClinVar variation 309158 (VCV000309158.6), dbSNP rs144000949, ClinGen allele CA10637699.